The following is an entry in ClinVar:

ClinVar aggregate classification (germline): Uncertain significance. Review status: criteria provided, multiple submitters, no conflicts (2 of 4 stars). 3 submissions from 3 submitters: Uncertain significance (3). Last evaluated 2026-07-01.

Conditions:
Wilson disease (WND). Also called: Wilson's disease. Identifiers: Orphanet 905, MedGen C0019202, MONDO:0010200, OMIM 277900. Disease mechanism: loss of function.
Inborn genetic diseases. Identifiers: MedGen C0950123, MeSH D030342.

Allele frequency attached by ClinVar (database versions not stated): gnomAD exomes below 0.00001.

Submissions (3):

Ambry Genetics
Classification: Uncertain significance for Inborn genetic diseases. Last evaluated: 2026-07-01. Review status: criteria provided, single submitter. Criteria: Ambry Variant Classification Scheme 2023. Collection method: clinical testing. Allele origin: germline.
Comment: The p.M380T variant (also known as c.1139T>C), located in coding exon 2 of the ATP7B gene, results from a T to C substitution at nucleotide position 1139. The methionine at codon 380 is replaced by threonine, an amino acid with similar properties. This amino acid position is conserved. In addition, this alteration is predicted to be tolerated by in silico analysis. Based on the available evidence, the clinical significance of this variant remains unclear.

Color Diagnostics, LLC DBA Color Health
Classification: Uncertain significance for Wilson disease. Last evaluated: 2025-07-03. Review status: criteria provided, single submitter. Criteria: ACMG Guidelines, 2015. Collection method: clinical testing. Allele origin: germline.
Comment: This missense variant replaces methionine with threonine at codon 380 of the ATP7B protein. Computational prediction suggests that this variant may not impact protein structure and function. To our knowledge, functional studies have not been reported for this variant. This variant has not been reported in individuals affected with ATP7B-related disorders in the literature. This variant has not been identified in the general population by the Genome Aggregation Database (gnomAD). The available evidence is insufficient to determine the role of this variant in disease conclusively. Therefore, this variant is classified as a Variant of Uncertain Significance.

All of Us Research Program, National Institutes of Health
Classification: Uncertain significance for Wilson disease. Last evaluated: 2023-07-10. Review status: criteria provided, single submitter. Criteria: ACMG Guidelines, 2015. Collection method: clinical testing. Allele origin: germline. Inheritance: Autosomal recessive inheritance. Observed: 1 variant allele, 1 heterozygote.
Comment: This missense variant replaces methionine with threonine at codon 380 of the ATP7B protein. Computational prediction suggests that this variant may not impact protein structure and function (internally defined REVEL score threshold <= 0.5, PMID: 27666373). To our knowledge, functional studies have not been reported for this variant. This variant has not been reported in individuals affected with ATP7B-related disorders in the literature. This variant has not been identified in the general population by the Genome Aggregation Database (gnomAD). The available evidence is insufficient to determine the role of this variant in disease conclusively. Therefore, this variant is classified as a Variant of Uncertain Significance.

This study involves interpretation of variants in research participants for the purpose of population health screening. Participant phenotype was not available at the time of variant classification. Additional details can be found in publication PMID: 35346344, PMCID: PMC8962531

NM_000053.4(ATP7B):c.1139T>C (p.Met380Thr)

Gene: ATP7B (ATPase copper transporting beta; minus strand). Cytogenetic location: 13q14.3.
Variant type: single nucleotide variant.
Coding change: c.1139T>C on transcript NM_000053.4 (MANE Select); coding-DNA position 1139, T replaced by C.
Protein change: p.Met380Thr; replaces methionine 380 with threonine.
Molecular consequence: missense variant.
Genome position (GRCh38, 1-based): chr13:51,974,081, A>G on the plus strand (T>C on the coding strand, the complement: ATP7B is on the minus strand). VCF-style: chr13-51974081-A-G. GRCh37 (hg19) VCF-style: chr13-52548217-A-G.
Other names: c.1139T>C, p.Met380Thr (NM_001406520.1, NM_001406521.1, NM_001406522.1 and 29 more transcripts); c.1043T>C, p.Met348Thr (NM_001406530.1, NM_001406517.1, NM_001406518.1 and 3 more transcripts); c.806T>C, p.Met269Thr (NM_001243182.2); c.710T>C, p.Met237Thr (NM_001406539.1); c.1139T>C (NM_000053.3); short protein forms M237T, M269T, M348T, M380T.
Identifiers: ClinVar variation 3072443 (VCV003072443.3), dbSNP rs2547814689, ClinGen allele CA388038782.